The following is an entry in ClinVar:

NM_152703.5(SAMD9L):c.4237G>T (p.Val1413Phe)

Gene: SAMD9L (sterile alpha motif domain containing 9 like; minus strand). Cytogenetic location: 7q21.2.
Variant type: single nucleotide variant.
Coding change: c.4237G>T on transcript NM_152703.5 (MANE Select); coding-DNA position 4237, G replaced by T.
Protein change: p.Val1413Phe; replaces valine 1413 with phenylalanine.
Molecular consequence: missense variant.
Genome position (GRCh38, 1-based): chr7:93,131,735, C>A on the plus strand (G>T on the coding strand, the complement: SAMD9L is on the minus strand). VCF-style: chr7-93131735-C-A. GRCh37 (hg19) VCF-style: chr7-92761048-C-A.
Other names: c.4237G>T, p.Val1413Phe (NM_001303496.3, NM_001303497.3, NM_001303498.3 and 5 more transcripts); short protein forms V1413F.
Identifiers: ClinVar variation 2578171 (VCV002578171.3), dbSNP rs1792109638, ClinGen allele CA368175329.
Genomic context (GRCh38, chr7:93,131,735, plus strand): 5'-GGAGGCAGGCCAAGAAATAAGGACCTGGATATTGATGACTTAGTCCTACAAATTGCAAGA[C>A]CTCTCGGAGTTGTTTTTTTAGCGTGGTAAGTGGTTGAATTAACTTGGAGTTGGGCTTTAG-3'
Protein context (NP_689916.2, residues 1403-1423): LTTLKKQLRE[Val1413Phe]LQFVGLSHQY

ClinVar aggregate classification (germline): Uncertain significance. Review status: criteria provided, multiple submitters, no conflicts (2 of 4 stars). 2 submissions from 2 submitters: Uncertain significance (2). Last evaluated 2025-06-17.

Conditions:
Ataxia-pancytopenia syndrome (ATXPC). Also called: SAMD9L Ataxia-Pancytopenia Syndrome; SAMD9L-Related Syndrome. Identifiers: Orphanet 2585, MedGen C1327919, MONDO:0008038, OMIM 159550.

Submissions (2):

St. Jude Molecular Pathology, St. Jude Children's Research Hospital
Classification: Uncertain significance for Ataxia-pancytopenia syndrome. Last evaluated: 2025-06-17. Review status: criteria provided, single submitter. Criteria: St. Jude Assertion Criteria 2020. Collection method: clinical testing. Allele origin: germline.
Comment: The SAMD9L c.4237G>T p.(Val1413Phe) missense change is absent in gnomAD v2.1.1. The in silico tool REVEL predicts a benign effect on protein function, but to our knowledge this prediction has not been confirmed by functional studies. In silico predictions have not been found to correlate with syndromic risk and are not considered supporting evidence of a pathogenic or benign effect (PMID: 34621053). To our knowledge, this variant has not been reported in individuals with ataxia-pancytopenia syndrome or monosomy 7 myelodysplasia and leukemia syndrome. In summary, the evidence currently available is insufficient to determine the clinical significance of this variant. It has therefore been classified as of uncertain significance.

GeneDx
Classification: Uncertain significance. Last evaluated: 2023-03-03. Review status: criteria provided, single submitter. Criteria: GeneDx Variant Classification Process June 2021. Collection method: clinical testing. Allele origin: germline. Affected: yes.
Comment: Not observed at significant frequency in large population cohorts (gnomAD); In silico analysis supports that this missense variant does not alter protein structure/function; Has not been previously published as pathogenic or benign to our knowledge